The following is an entry in ClinVar:

NM_002691.4(POLD1):c.901G>A (p.Glu301Lys)

Gene: POLD1 (DNA polymerase delta 1, catalytic subunit; plus strand). Cytogenetic location: 19q13.33.
Variant type: single nucleotide variant.
Coding change: c.901G>A on transcript NM_002691.4 (MANE Select); coding-DNA position 901, G replaced by A.
Protein change: p.Glu301Lys; replaces glutamic acid 301 with lysine.
Molecular consequence: missense variant. On other transcripts: non-coding transcript variant (1).
Genome position (GRCh38, 1-based): chr19:50,402,672, G>A. VCF-style: chr19-50402672-G-A. GRCh37 (hg19) VCF-style: chr19-50905929-G-A.
Other names: c.901G>A, p.Glu301Lys (NM_001256849.1, NM_001308632.1); short protein forms E301K.
Identifiers: ClinVar variation 2848519 (VCV002848519.3), dbSNP rs11550555, ClinGen allele CA406976995.

ClinVar aggregate classification (germline): Uncertain significance (1 of 4 stars; one submission).

Conditions:
POLD1-related polyposis and colorectal cancer syndrome (CRCS10). Also called: Colorectal cancer 10; COLORECTAL CANCER, SUSCEPTIBILITY TO, ON CHROMOSOME 19q; Colorectal cancer, susceptibility to, 10. Identifiers: Orphanet 220460, MedGen C2675481, MONDO:0012953, OMIM 612591.

Submission:

Labcorp Genetics (formerly Invitae), Labcorp
Classification: Uncertain significance for POLD1-related polyposis and colorectal cancer syndrome. Last evaluated: 2024-06-27. Review status: criteria provided, single submitter. Criteria: Invitae Variant Classification Sherloc (09022015). Collection method: clinical testing. Allele origin: germline.
Comment: This sequence change replaces glutamic acid, which is acidic and polar, with lysine, which is basic and polar, at codon 301 of the POLD1 protein (p.Glu301Lys). This variant is not present in population databases (gnomAD no frequency). This variant has not been reported in the literature in individuals affected with POLD1-related conditions. Advanced modeling of protein sequence and biophysical properties (such as structural, functional, and spatial information, amino acid conservation, physicochemical variation, residue mobility, and thermodynamic stability) performed at Invitae indicates that this missense variant is not expected to disrupt POLD1 protein function with a negative predictive value of 80%. In summary, the available evidence is currently insufficient to determine the role of this variant in disease. Therefore, it has been classified as a Variant of Uncertain Significance.